The following is an entry in ClinVar:

NM_001040108.2(MLH3):c.3194G>A (p.Ser1065Asn)

Gene: MLH3 (mutL homolog 3; minus strand). Cytogenetic location: 14q24.3.
Variant type: single nucleotide variant.
Coding change: c.3194G>A on transcript NM_001040108.2 (MANE Select); coding-DNA position 3194, G replaced by A.
Protein change: p.Ser1065Asn; replaces serine 1065 with asparagine.
Molecular consequence: missense variant.
Genome position (GRCh38, 1-based): chr14:75,046,462, C>T on the plus strand (G>A on the coding strand, the complement: MLH3 is on the minus strand). VCF-style: chr14-75046462-C-T. GRCh37 (hg19) VCF-style: chr14-75513165-C-T.
Other names: c.3194G>A, p.Ser1065Asn (NM_014381.3); short protein forms S1065N.
Identifiers: ClinVar variation 962307 (VCV000962307.9), dbSNP rs1355183567, ClinGen allele CA390435177.

ClinVar aggregate classification (germline): Uncertain significance (1 of 4 stars; one submission).

Conditions:
Colorectal cancer, hereditary nonpolyposis, type 7. Identifiers: Orphanet 144, MedGen C1858380, MONDO:0013725, OMIM 614385.

Submission:

Labcorp Genetics (formerly Invitae), Labcorp
Classification: Uncertain significance for Colorectal cancer, hereditary nonpolyposis, type 7. Last evaluated: 2022-01-28. Review status: criteria provided, single submitter. Criteria: Invitae Variant Classification Sherloc (09022015). Collection method: clinical testing. Allele origin: germline.
Comment: In summary, the available evidence is currently insufficient to determine the role of this variant in disease. Therefore, it has been classified as a Variant of Uncertain Significance. Algorithms developed to predict the effect of missense changes on protein structure and function are either unavailable or do not agree on the potential impact of this missense change (SIFT: "Tolerated"; PolyPhen-2: "Probably Damaging"; Align-GVGD: "Class C0"). ClinVar contains an entry for this variant (Variation ID: 962307). This variant has not been reported in the literature in individuals affected with MLH3-related conditions. This variant is not present in population databases (gnomAD no frequency). This sequence change replaces serine, which is neutral and polar, with asparagine, which is neutral and polar, at codon 1065 of the MLH3 protein (p.Ser1065Asn).